The following is an entry in ClinVar:

ClinVar aggregate classification (germline): Pathogenic (1 of 4 stars; one submission).

Submission:

Labcorp Genetics (formerly Invitae), Labcorp
Classification: Pathogenic. Last evaluated: 2023-11-06. Review status: criteria provided, single submitter. Criteria: Invitae Variant Classification Sherloc (09022015). Collection method: clinical testing. Allele origin: germline.
Comment: This sequence change creates a premature translational stop signal (p.Gln398*) in the UBR1 gene. It is expected to result in an absent or disrupted protein product. Loss-of-function variants in UBR1 are known to be pathogenic (PMID: 24599544). This variant is not present in population databases (gnomAD no frequency). This variant has not been reported in the literature in individuals affected with UBR1-related conditions. For these reasons, this variant has been classified as Pathogenic.

Literature cited by the submitters: PubMed 24599544.

NM_174916.3(UBR1):c.1192C>T (p.Gln398Ter)

Gene: UBR1 (ubiquitin protein ligase E3 component n-recognin 1; minus strand). Cytogenetic location: 15q15.2.
Variant type: single nucleotide variant.
Coding change: c.1192C>T on transcript NM_174916.3 (MANE Select); coding-DNA position 1192, C replaced by T.
Protein change: p.Gln398Ter; replaces glutamine 398 with a stop codon.
Molecular consequence: nonsense.
Genome position (GRCh38, 1-based): chr15:43,056,433, G>A on the plus strand (C>T on the coding strand, the complement: UBR1 is on the minus strand). VCF-style: chr15-43056433-G-A. GRCh37 (hg19) VCF-style: chr15-43348631-G-A.
Other names: short protein forms Q398*.
Identifiers: ClinVar variation 2805002 (VCV002805002.3), dbSNP rs2033620480, ClinGen allele CA392074129.
Genomic context (GRCh38, chr15:43,056,433, plus strand): 5'-AAAGTGCAGTTATAGAGATACTTCTGTCATGATCATCACTGATATATTCTTTCTGCAGTT[G>A]TTTATAATACTGAAATATATAAGTAGAGAATCAATTATAAATCACTACTAAAGACCTTTA-3'